The following is an entry in ClinVar:

ClinVar aggregate classification (germline): Uncertain significance (1 of 4 stars; one submission).

Submission:

Labcorp Genetics (formerly Invitae), Labcorp
Classification: Uncertain significance. Last evaluated: 2023-09-09. Review status: criteria provided, single submitter. Criteria: Invitae Variant Classification Sherloc (09022015). Collection method: clinical testing. Allele origin: germline.
Comment: This variant has not been reported in the literature in individuals affected with HYOU1-related conditions. In summary, the available evidence is currently insufficient to determine the role of this variant in disease. Therefore, it has been classified as a Variant of Uncertain Significance. This variant is not present in population databases (gnomAD no frequency). This sequence change affects codon 65 of the HYOU1 mRNA. It is a 'silent' change, meaning that it does not change the encoded amino acid sequence of the HYOU1 protein.

NM_006389.5(HYOU1):c.195G>A (p.Arg65=)

Gene: HYOU1 (hypoxia up-regulated 1; minus strand). Cytogenetic location: 11q23.3.
Variant type: single nucleotide variant.
Coding change: c.195G>A on transcript NM_006389.5 (MANE Select); coding-DNA position 195, G replaced by A.
Protein change: p.Arg65=; no amino-acid change (arginine 65 retained).
Molecular consequence: synonymous variant.
Genome position (GRCh38, 1-based): chr11:119,055,562, C>T on the plus strand (G>A on the coding strand, the complement: HYOU1 is on the minus strand). VCF-style: chr11-119055562-C-T. GRCh37 (hg19) VCF-style: chr11-118926274-C-T.
Other names: c.195G>A, p.Arg65= (NM_001130991.3, NM_001411041.1).
Identifiers: ClinVar variation 3012582 (VCV003012582.3), dbSNP rs2497209804, ClinGen allele CA2740093228.
Genomic context (GRCh38, chr11:119,055,562, plus strand): 5'-TGCACTGTCTCCAAAGAATCTTTCATTTTCTTTCAGGGTCACGATCACCGGTGTTTTCCT[C>T]CGAGATTCCCTGAGGAAAAGAGATTTTGGGCCCAGGTGCCTGCAGCAGAAGGACTCAGAA-3'
Protein context (NP_006380.1, residues 55-75): PMEIVLNKES[Arg65=]RKTPVIVTLK